The following is an entry in ClinVar:

NM_000059.4(BRCA2):c.9947A>T (p.Glu3316Val)

Gene: BRCA2 (BRCA2 DNA repair associated; plus strand). Cytogenetic location: 13q13.1.
Variant type: single nucleotide variant.
Coding change: c.9947A>T on transcript NM_000059.4 (MANE Select); coding-DNA position 9947, A replaced by T.
Protein change: p.Glu3316Val; replaces glutamic acid 3316 with valine.
Molecular consequence: missense variant.
Genome position (GRCh38, 1-based): chr13:32,398,460, A>T. VCF-style: chr13-32398460-A-T. GRCh37 (hg19) VCF-style: chr13-32972597-A-T.
Other names: short protein forms E3316V.
Identifiers: ClinVar variation 489803 (VCV000489803.16), dbSNP rs1555290010, ClinGen allele CA387767286.

ClinVar aggregate classification (germline): Uncertain significance. Review status: criteria provided, multiple submitters, no conflicts (2 of 4 stars). 3 submissions from 3 submitters: Uncertain significance (3). Last evaluated 2025-06-06.

Conditions:
Hereditary breast ovarian cancer syndrome. Also called: Breast and ovarian cancer; Hereditary breast and/or ovarian cancer syndrome; Hereditary breast and ovarian cancer; Hereditary breast and ovarian cancer syndrome (HBOC); BRCA1- and BRCA2-Associated Hereditary Breast and Ovarian Cancer; Hereditary breast and ovarian cancer syndrome. Identifiers: Orphanet 145, MedGen C0677776, MeSH D061325, MONDO:0003582. Disease mechanism: loss of function.
Hereditary cancer-predisposing syndrome. Also called: Hereditary Cancer Syndrome; Neoplastic Syndromes, Hereditary; Tumor predisposition; Hereditary neoplastic syndrome. Identifiers: Orphanet 140162, MedGen C0027672, MeSH D009386, MONDO:0015356.

Submissions (3):

Ambry Genetics
Classification: Uncertain significance for Hereditary cancer-predisposing syndrome. Last evaluated: 2025-06-06. Review status: criteria provided, single submitter. Criteria: Ambry Variant Classification Scheme 2023. Collection method: clinical testing. Allele origin: germline.
Comment: The p.E3316V variant (also known as c.9947A>T), located in coding exon 26 of the BRCA2 gene, results from an A to T substitution at nucleotide position 9947. The glutamic acid at codon 3316 is replaced by valine, an amino acid with dissimilar properties. This amino acid position is conserved. In addition, this alteration is predicted to be tolerated by in silico analysis. Based on the available evidence, the clinical significance of this variant remains unclear.

Labcorp Genetics (formerly Invitae), Labcorp
Classification: Uncertain significance for Hereditary breast ovarian cancer syndrome. Last evaluated: 2025-05-22. Review status: criteria provided, single submitter. Criteria: Invitae Variant Classification Sherloc (09022015). Collection method: clinical testing. Allele origin: germline.
Comment: This sequence change replaces glutamic acid, which is acidic and polar, with valine, which is neutral and non-polar, at codon 3316 of the BRCA2 protein (p.Glu3316Val). This variant is not present in population databases (gnomAD no frequency). This variant has not been reported in the literature in individuals affected with BRCA2-related conditions. ClinVar contains an entry for this variant (Variation ID: 489803). Invitae Evidence Modeling of protein sequence and biophysical properties (such as structural, functional, and spatial information, amino acid conservation, physicochemical variation, residue mobility, and thermodynamic stability) indicates that this missense variant is not expected to disrupt BRCA2 protein function with a negative predictive value of 95%. In summary, the available evidence is currently insufficient to determine the role of this variant in disease. Therefore, it has been classified as a Variant of Uncertain Significance.

Color Diagnostics, LLC DBA Color Health
Classification: Uncertain significance for Hereditary cancer-predisposing syndrome. Last evaluated: 2024-03-06. Review status: criteria provided, single submitter. Criteria: ACMG Guidelines, 2015. Collection method: clinical testing. Allele origin: germline.
Comment: This missense variant replaces glutamic acid with valine at codon 3316 of the BRCA2 protein. Computational prediction suggests that this variant may not impact protein structure and function (internally defined REVEL score threshold <= 0.5, PMID: 27666373). To our knowledge, functional studies have not been reported for this variant. This variant has not been reported in individuals affected with hereditary cancer in the literature. This variant has not been identified in the general population by the Genome Aggregation Database (gnomAD). The available evidence is insufficient to determine the role of this variant in disease conclusively. Therefore, this variant is classified as a Variant of Uncertain Significance.